The following is an entry in ClinVar:

NM_003184.4(TAF2):c.2253+6G>C

Gene: TAF2 (TATA-box binding protein associated factor 2; minus strand). Cytogenetic location: 8q24.12.
Variant type: single nucleotide variant.
Coding change: c.2253+6G>C on transcript NM_003184.4 (MANE Select); 6 bases into the intron after coding-DNA position 2253, G replaced by C.
Molecular consequence: intron variant.
Genome position (GRCh38, 1-based): chr8:119,781,047, C>G on the plus strand (G>C on the coding strand, the complement: TAF2 is on the minus strand). VCF-style: chr8-119781047-C-G. GRCh37 (hg19) VCF-style: chr8-120793287-C-G.
Identifiers: ClinVar variation 2059137 (VCV002059137.4), dbSNP rs2488346474, ClinGen allele CA2580078568.

ClinVar aggregate classification (germline): Uncertain significance (1 of 4 stars; one submission).

Submission:

Labcorp Genetics (formerly Invitae), Labcorp
Classification: Uncertain significance. Last evaluated: 2022-04-18. Review status: criteria provided, single submitter. Criteria: Invitae Variant Classification Sherloc (09022015). Collection method: clinical testing. Allele origin: germline.
Comment: In summary, the available evidence is currently insufficient to determine the role of this variant in disease. Therefore, it has been classified as a Variant of Uncertain Significance. Variants that disrupt the consensus splice site are a relatively common cause of aberrant splicing (PMID: 17576681, 9536098). Algorithms developed to predict the effect of sequence changes on RNA splicing suggest that this variant is not likely to affect RNA splicing. This variant has not been reported in the literature in individuals affected with TAF2-related conditions. This variant is not present in population databases (gnomAD no frequency). This sequence change falls in intron 17 of the TAF2 gene. It does not directly change the encoded amino acid sequence of the TAF2 protein. It affects a nucleotide within the consensus splice site.

Literature cited by the submitters: PubMed 17576681; PubMed 9536098.